The following is an entry in ClinVar:

ClinVar aggregate classification (germline): Uncertain significance (1 of 4 stars; one submission).

Conditions:
Inborn genetic diseases. Identifiers: MedGen C0950123, MeSH D030342.

Submission:

Ambry Genetics
Classification: Uncertain significance for Inborn genetic diseases. Last evaluated: 2025-05-05. Review status: criteria provided, single submitter. Criteria: Ambry Variant Classification Scheme 2023. Collection method: clinical testing. Allele origin: germline.
Comment: The p.R359K variant (also known as c.1076G>A), located in coding exon 6 of the ERCC6L2 gene, results from a G to A substitution at nucleotide position 1076. The arginine at codon 359 is replaced by lysine, an amino acid with highly similar properties. This amino acid position is conserved. In addition, this alteration is predicted to be tolerated by in silico analysis. Based on the available evidence, the clinical significance of this variant remains unclear.

NM_020207.7(ERCC6L2):c.1076G>A (p.Arg359Lys)

Gene: ERCC6L2 (ERCC excision repair 6 like 2; plus strand). Cytogenetic location: 9q22.32.
Variant type: single nucleotide variant.
Coding change: c.1076G>A on transcript NM_020207.7 (MANE Select); coding-DNA position 1076, G replaced by A.
Protein change: p.Arg359Lys; replaces arginine 359 with lysine.
Molecular consequence: missense variant. On other transcripts: non-coding transcript variant (1).
Genome position (GRCh38, 1-based): chr9:95,916,352, G>A. VCF-style: chr9-95916352-G-A. GRCh37 (hg19) VCF-style: chr9-98678634-G-A.
Other names: c.1076G>A, p.Arg359Lys (NM_001010895.4, NM_001375291.1, NM_001375292.1 and 2 more transcripts); short protein forms R359K.
Identifiers: ClinVar variation 4019342 (VCV004019342.1).